The following is an entry in ClinVar:

ClinVar aggregate classification (germline): Conflicting classifications of pathogenicity. Review status: criteria provided, conflicting classifications (1 of 4 stars). 5 submissions from 5 submitters: Uncertain significance (4); Likely benign (1). Last evaluated 2025-08-18.

Conditions:
TRPV4-related disorder. Also called: TRPV4-related condition; TRPV4-related disorders.
Inborn genetic diseases. Identifiers: MedGen C0950123, MeSH D030342.
Charcot-Marie-Tooth disease axonal type 2C (HMSN2C). Also called: Charcot-Marie-Tooth Disease Type 2, TRPV4-Related (CMT2C); CHARCOT-MARIE-TOOTH DISEASE, AXONAL, AUTOSOMAL DOMINANT, TYPE 2C; Charcot-Marie-Tooth Neuropathy Type 2C. Identifiers: Orphanet 99937, MedGen C1853710, MONDO:0011633, OMIM 606071.

Allele frequency attached by ClinVar (database versions not stated): gnomAD exomes 0.00002 and 0.00011; TOPMed 0.00006; gnomAD 0.00003.

Submissions (5):

Labcorp Genetics (formerly Invitae), Labcorp
Classification: Uncertain significance for Charcot-Marie-Tooth disease axonal type 2C. Last evaluated: 2025-08-18. Review status: criteria provided, single submitter. Criteria: Invitae Variant Classification Sherloc (09022015). Collection method: clinical testing. Allele origin: germline.
Comment: This sequence change replaces asparagine, which is neutral and polar, with lysine, which is basic and polar, at codon 38 of the TRPV4 protein (p.Asn38Lys). This variant is present in population databases (no rsID available, gnomAD 0.005%). This variant has not been reported in the literature in individuals affected with TRPV4-related conditions. ClinVar contains an entry for this variant (Variation ID: 235667). Invitae Evidence Modeling of protein sequence and biophysical properties (such as structural, functional, and spatial information, amino acid conservation, physicochemical variation, residue mobility, and thermodynamic stability) indicates that this missense variant is not expected to disrupt TRPV4 protein function with a negative predictive value of 95%. In summary, the available evidence is currently insufficient to determine the role of this variant in disease. Therefore, it has been classified as a Variant of Uncertain Significance.

Ambry Genetics
Classification: Uncertain significance for Inborn genetic diseases. Last evaluated: 2025-03-22. Review status: criteria provided, single submitter. Criteria: Ambry Variant Classification Scheme 2023. Collection method: clinical testing. Allele origin: germline.

PreventionGenetics, part of Exact Sciences
Classification: Uncertain significance for TRPV4-related condition. Last evaluated: 2025-03-17. Review status: criteria provided, single submitter. Criteria: ACMG Guidelines, 2015. Collection method: clinical testing. Allele origin: germline.
Comment: The TRPV4 c.114T>A variant is predicted to result in the amino acid substitution p.Asn38Lys. To our knowledge, this variant has not been reported in the literature. This variant is reported in 0.0056% of alleles in individuals of European (Non-Finnish) descent in gnomAD. At this time, the clinical significance of this variant is uncertain due to the absence of conclusive functional and genetic evidence.

GeneDx
Classification: Likely benign. Last evaluated: 2021-02-02. Review status: criteria provided, single submitter. Criteria: GeneDx Variant Classification Process June 2021. Collection method: clinical testing. Allele origin: germline. Affected: yes.
Comment: In silico analysis supports that this missense variant does not alter protein structure/function; Has not been previously published as pathogenic or benign to our knowledge

Center for Pediatric Genomic Medicine, Children's Mercy Hospital and Clinics
Classification: Uncertain significance. Last evaluated: 2016-05-11. Review status: criteria provided, single submitter. Criteria: ACMG Guidelines, 2015. Collection method: clinical testing. Allele origin: germline.
ClinVar note: Converted during submission from Uncertain Significance to Uncertain significance.

NM_021625.5(TRPV4):c.114T>A (p.Asn38Lys)

Gene: TRPV4 (transient receptor potential cation channel subfamily V member 4; minus strand). Cytogenetic location: 12q24.11.
Variant type: single nucleotide variant.
Coding change: c.114T>A on transcript NM_021625.5 (MANE Select); coding-DNA position 114, T replaced by A.
Protein change: p.Asn38Lys; replaces asparagine 38 with lysine.
Molecular consequence: missense variant. On other transcripts: intron variant (1).
Genome position (GRCh38, 1-based): chr12:109,814,683, A>T on the plus strand (T>A on the coding strand, the complement: TRPV4 is on the minus strand). VCF-style: chr12-109814683-A-T. GRCh37 (hg19) VCF-style: chr12-110252488-A-T.
Other names: c.114T>A, p.Asn38Lys (NM_001177428.2, NM_001177433.2, NM_147204.3); c.79+35T>A (NM_001177431.1); short protein forms N38K.
Identifiers: ClinVar variation 235667 (VCV000235667.16), dbSNP rs878853090, ClinGen allele CA10581393.